The following is an entry in ClinVar:

ClinVar aggregate classification (germline): Uncertain significance (1 of 4 stars; one submission).

Conditions:
Very long chain acyl-CoA dehydrogenase deficiency (ACADVLD). Also called: Very Long-Chain Acyl-Coenzyme A Dehydrogenase Deficiency; VLCAD Deficiency. Identifiers: Orphanet 26793, MedGen C3887523, MONDO:0008723, OMIM 201475.

Allele frequency attached by ClinVar (database versions not stated): gnomAD exomes below 0.00001.
gnomAD v4.1: 1 of 1,614,030 alleles (0.000062%); highest among the groups gnomAD compares: Non-Finnish European, 0.000085%; no homozygotes.

Submission:

Labcorp Genetics (formerly Invitae), Labcorp
Classification: Uncertain significance for Very long chain acyl-CoA dehydrogenase deficiency. Last evaluated: 2019-10-14. Review status: criteria provided, single submitter. Criteria: Invitae Variant Classification Sherloc (09022015). Collection method: clinical testing. Allele origin: germline.
Comment: This variant has not been reported in the literature in individuals with ACADVL-related conditions. This variant is not present in population databases (ExAC no frequency). This sequence change replaces alanine with threonine at codon 333 of the ACADVL protein (p.Ala333Thr). The alanine residue is highly conserved and there is a small physicochemical difference between alanine and threonine. Algorithms developed to predict the effect of missense changes on protein structure and function (SIFT, PolyPhen-2, Align-GVGD) all suggest that this variant is likely to be disruptive, but these predictions have not been confirmed by published functional studies and their clinical significance is uncertain. In summary, the available evidence is currently insufficient to determine the role of this variant in disease. Therefore, it has been classified as a Variant of Uncertain Significance.

NM_000018.4(ACADVL):c.997G>A (p.Ala333Thr)

Gene: ACADVL (acyl-CoA dehydrogenase very long chain; plus strand). Cytogenetic location: 17p13.1.
Variant type: single nucleotide variant.
Coding change: c.997G>A on transcript NM_000018.4 (MANE Select); coding-DNA position 997, G replaced by A.
Protein change: p.Ala333Thr; replaces alanine 333 with threonine.
Molecular consequence: missense variant.
Genome position (GRCh38, 1-based): chr17:7,222,785, G>A. VCF-style: chr17-7222785-G-A. GRCh37 (hg19) VCF-style: chr17-7126104-G-A.
Other names: c.931G>A, p.Ala311Thr (NM_001033859.3); c.1066G>A, p.Ala356Thr (NM_001270447.2); c.769G>A, p.Ala257Thr (NM_001270448.2); short protein forms A257T, A311T, A333T, A356T.
Identifiers: ClinVar variation 957580 (VCV000957580.9), dbSNP rs2071292782, ClinGen allele CA397724127.